The following is an entry in ClinVar:

NM_053025.4(MYLK):c.2027C>G (p.Thr676Ser)

Gene: MYLK (myosin light chain kinase; minus strand). Cytogenetic location: 3q21.1.
Variant type: single nucleotide variant.
Coding change: c.2027C>G on transcript NM_053025.4 (MANE Select); coding-DNA position 2027, C replaced by G.
Protein change: p.Thr676Ser; replaces threonine 676 with serine.
Molecular consequence: missense variant.
Genome position (GRCh38, 1-based): chr3:123,708,811, G>C on the plus strand (C>G on the coding strand, the complement: MYLK is on the minus strand). VCF-style: chr3-123708811-G-C. GRCh37 (hg19) VCF-style: chr3-123427658-G-C.
Other names: c.1499C>G, p.Thr500Ser (NM_001321309.2); c.1820C>G, p.Thr607Ser (NM_053026.4, NM_053028.4); c.2027C>G, p.Thr676Ser (NM_053027.4); short protein forms T607S, T676S, T500S.
Identifiers: ClinVar variation 2869796 (VCV002869796.3), dbSNP rs2474305005, ClinGen allele CA354234432.

ClinVar aggregate classification (germline): Uncertain significance (1 of 4 stars; one submission).

Conditions:
Aortic aneurysm, familial thoracic 7 (AAT7). Also called: AORTIC DISSECTION, FAMILIAL, WITH OR WITHOUT AORTIC ANEURYSM. Identifiers: MedGen C3151077, MONDO:0013418, OMIM 613780.

Allele frequency attached by ClinVar (database versions not stated): gnomAD exomes below 0.00001.
gnomAD v4.1: 1 of 1,614,198 alleles (0.000062%); highest among the groups gnomAD compares: Non-Finnish European, 0.000085%; no homozygotes.

Submission:

Labcorp Genetics (formerly Invitae), Labcorp
Classification: Uncertain significance for Aortic aneurysm, familial thoracic 7. Last evaluated: 2023-06-02. Review status: criteria provided, single submitter. Criteria: Invitae Variant Classification Sherloc (09022015). Collection method: clinical testing. Allele origin: germline.
Comment: This sequence change replaces threonine, which is neutral and polar, with serine, which is neutral and polar, at codon 676 of the MYLK protein (p.Thr676Ser). This variant is not present in population databases (gnomAD no frequency). This variant has not been reported in the literature in individuals affected with MYLK-related conditions. Advanced modeling of protein sequence and biophysical properties (such as structural, functional, and spatial information, amino acid conservation, physicochemical variation, residue mobility, and thermodynamic stability) performed at Invitae indicates that this missense variant is not expected to disrupt MYLK protein function. In summary, the available evidence is currently insufficient to determine the role of this variant in disease. Therefore, it has been classified as a Variant of Uncertain Significance.